The following is an entry in ClinVar:

NM_001098.3(ACO2):c.2302G>A (p.Ala768Thr)

Genes: ACO2 (aconitase 2; plus strand), POLR3H (RNA polymerase III subunit H; minus strand). Cytogenetic location: 22q13.2.
Variant type: single nucleotide variant.
Coding change: c.2302G>A on transcript NM_001098.3 (MANE Select); coding-DNA position 2302, G replaced by A.
Protein change: p.Ala768Thr; replaces alanine 768 with threonine.
Molecular consequence: missense variant. On other transcripts: 3 prime UTR variant (5).
Genome position (GRCh38, 1-based): chr22:41,528,572, G>A. VCF-style: chr22-41528572-G-A. GRCh37 (hg19) VCF-style: chr22-41924576-G-A.
Other names: p.Ala768Thr; c.*711C>T (NM_001018050.4, NM_001018052.4, NM_001282884.2 and 2 more transcripts); short protein forms A768T.
Identifiers: ClinVar variation 1031072 (VCV001031072.2), dbSNP rs1804785, ClinGen allele CA10257966.

ClinVar aggregate classification (germline): Uncertain significance. Review status: criteria provided, multiple submitters, no conflicts (2 of 4 stars). 2 submissions from 2 submitters: Uncertain significance (2). Last evaluated 2025-09-25.

Conditions:
Infantile cerebellar-retinal degeneration (ICRD). Identifiers: Orphanet 313850, MedGen C3281192, MONDO:0013802, OMIM 614559.

Allele frequency attached by ClinVar (database versions not stated): TOPMed 0.00001; gnomAD exomes 0.00002 and 0.00001; ExAC 0.00002; ESP Exome Variant Server 0.00008; gnomAD 0.00001.
gnomAD v4.1: 20 of 1,612,652 alleles (0.0012%); highest among the groups gnomAD compares: Non-Finnish European, 0.0015%; no homozygotes.

Submissions (2):

Mayo Clinic Laboratories, Mayo Clinic
Classification: Uncertain significance. Last evaluated: 2025-09-25. Review status: criteria provided, single submitter. Criteria: ACMG Guidelines, 2015. Collection method: clinical testing. Allele origin: germline. Observed: 1 variant allele.

Baylor Genetics
Classification: Uncertain significance for Infantile cerebellar-retinal degeneration. Last evaluated: 2020-01-23. Review status: criteria provided, single submitter. Criteria: ACMG Guidelines, 2015. Collection method: clinical testing. Allele origin: unknown. Affected: yes.
Comment: This variant was determined to be of uncertain significance according to ACMG Guidelines, 2015 [PMID:25741868].